The following is an entry in ClinVar:

ClinVar aggregate classification (germline): Likely pathogenic. Review status: criteria provided, single submitter (1 of 4 stars). 2 submissions from 2 submitters: Likely pathogenic (1). 1 of the submissions does not count toward it.

Conditions:
Peroxisome biogenesis disorder 9B. Also called: Refsum disease, adult, 2; PEX7-Related Refsum Disease; PEROXISOME BIOGENESIS DISORDER, PEX7-RELATED, ATYPICAL. Identifiers: Orphanet 773, MedGen C2749346, MONDO:0013945, OMIM 614879.
Rhizomelic chondrodysplasia punctata type 1 (RCDP1). Also called: PEX7-Related Rhizomelic Chondrodysplasia Punctata; CHONDRODYSTROPHIA CALCIFICANS PUNCTATA; PEROXISOME BIOGENESIS DISORDER 9. Identifiers: Orphanet 177, Orphanet 309789, MedGen C1859133, MONDO:0008972, OMIM 215100. Disease mechanism: loss of function.

Submissions (2):

Juno Genomics, Hangzhou Juno Genomics, Inc
Classification: Likely pathogenic for Peroxisome biogenesis disorder 9B; Rhizomelic chondrodysplasia punctata type 1. Review status: criteria provided, single submitter. Criteria: ACMG Guidelines, 2015. Collection method: clinical testing. Allele origin: germline.
Comment: Null variant in a gene where loss of function (LOF) is a known mechanism of disease.;Absent from controls (or at extremely low frequency if recessive) in Genome Aggregation Database.

Counsyl
Classification: Likely pathogenic for Rhizomelic chondrodysplasia punctata type 1. Last evaluated: 2017-08-15. Review status: no assertion criteria provided. Collection method: clinical testing. Allele origin: unknown. Not counted in ClinVar's aggregate classification.

NM_000288.4(PEX7):c.131-2A>G

Gene: PEX7 (peroxisomal biogenesis factor 7; plus strand). Cytogenetic location: 6q23.3.
Variant type: single nucleotide variant.
Coding change: c.131-2A>G on transcript NM_000288.4 (MANE Select); the canonical splice acceptor site of the intron before coding-DNA position 131, A replaced by G.
Molecular consequence: splice acceptor variant.
Genome position (GRCh38, 1-based): chr6:136,825,212, A>G. VCF-style: chr6-136825212-A-G. GRCh37 (hg19) VCF-style: chr6-137146350-A-G.
Other names: c.17-2A>G (NM_001410945.1).
Identifiers: ClinVar variation 553298 (VCV000553298.4), dbSNP rs1554328790, ClinGen allele CA365855570.
Genomic context (GRCh38, chr6:136,825,212, plus strand): 5'-CTTGACTTTCGATGTTACCCTGGCAGGTTCAAAGGGATGACCTTGATTTTTTTTCTCTTT[A>G]GGCTGTGGAACCCTACTAATATTGGATCCAGATGAAGCTGGGCTAAGGCTTTTTAGAAGG-3'